The following is an entry in ClinVar:

ClinVar aggregate classification (germline): Uncertain significance (1 of 4 stars; one submission).

Conditions:
Familial adenomatous polyposis 1 (FAP1). Also called: FAMILIAL ADENOMATOUS POLYPOSIS 1, ATTENUATED; POLYPOSIS, ADENOMATOUS INTESTINAL. Identifiers: MedGen C2713442, MONDO:0021056, OMIM 175100. Disease mechanism: loss of function.

Submission:

Labcorp Genetics (formerly Invitae), Labcorp
Classification: Uncertain significance for Familial adenomatous polyposis 1. Last evaluated: 2024-03-01. Review status: criteria provided, single submitter. Criteria: Invitae Variant Classification Sherloc (09022015). Collection method: clinical testing. Allele origin: germline.
Comment: This sequence change replaces serine, which is neutral and polar, with asparagine, which is neutral and polar, at codon 1436 of the APC protein (p.Ser1436Asn). This variant is not present in population databases (gnomAD no frequency). This variant has not been reported in the literature in individuals affected with APC-related conditions. Advanced modeling of protein sequence and biophysical properties (such as structural, functional, and spatial information, amino acid conservation, physicochemical variation, residue mobility, and thermodynamic stability) performed at Invitae indicates that this missense variant is not expected to disrupt APC protein function with a negative predictive value of 95%. In summary, the available evidence is currently insufficient to determine the role of this variant in disease. Therefore, it has been classified as a Variant of Uncertain Significance.

NM_000038.6(APC):c.4307G>A (p.Ser1436Asn)

Gene: APC (APC regulator of Wnt signaling pathway; plus strand). Cytogenetic location: 5q22.2.
Variant type: single nucleotide variant.
Coding change: c.4307G>A on transcript NM_000038.6 (MANE Select); coding-DNA position 4307, G replaced by A.
Protein change: p.Ser1436Asn; replaces serine 1436 with asparagine.
Molecular consequence: missense variant. On other transcripts: non-coding transcript variant (2).
Genome position (GRCh38, 1-based): chr5:112,839,901, G>A. VCF-style: chr5-112839901-G-A. GRCh37 (hg19) VCF-style: chr5-112175598-G-A.
Other names: c.4307G>A, p.Ser1436Asn (NM_001127510.3, NM_001354895.2, NM_001407450.1); c.4253G>A, p.Ser1418Asn (NM_001127511.3); c.4361G>A, p.Ser1454Asn (NM_001354896.2, NM_001407447.1, NM_001407448.1 and 1 more transcripts); c.4337G>A, p.Ser1446Asn (NM_001354897.2); c.4232G>A, p.Ser1411Asn (NM_001354898.2); c.4223G>A, p.Ser1408Asn (NM_001354899.2); c.4184G>A, p.Ser1395Asn (NM_001354900.2); c.4130G>A, p.Ser1377Asn (NM_001354901.2, NM_001407453.1); and 11 more; short protein forms S1307N, S1310N, S1411N, S1418N, S1429N, S1454N, S1353N, S1377N.
Identifiers: ClinVar variation 3635459 (VCV003635459.2).